The following is an entry in ClinVar:

NM_001244008.2(KIF1A):c.3181G>A (p.Val1061Ile)

Gene: KIF1A (kinesin family member 1A; minus strand). Cytogenetic location: 2q37.3.
Variant type: single nucleotide variant.
Coding change: c.3181G>A on transcript NM_001244008.2 (MANE Select); coding-DNA position 3181, G replaced by A.
Protein change: p.Val1061Ile; replaces valine 1061 with isoleucine.
Molecular consequence: missense variant.
Genome position (GRCh38, 1-based): chr2:240,746,060, C>T on the plus strand (G>A on the coding strand, the complement: KIF1A is on the minus strand). VCF-style: chr2-240746060-C-T. GRCh37 (hg19) VCF-style: chr2-241685477-C-T.
Other names: c.2905G>A, p.Val969Ile (NM_001320705.2, NM_001330289.2, NM_001379638.1); c.2980G>A, p.Val994Ile (NM_001330290.2, NM_001379634.1, NM_001379635.1 and 1 more transcripts); c.3256G>A, p.Val1086Ile (NM_001379631.1); c.3130G>A, p.Val1044Ile (NM_001379632.1); c.3154G>A, p.Val1052Ile (NM_001379633.1, NM_001379642.1, NM_001379645.1); c.2878G>A, p.Val960Ile (NM_001379636.1, NM_001379639.1, NM_001379640.1 and 6 more transcripts); c.2953G>A, p.Val985Ile (NM_001379637.1, NM_001379648.1); short protein forms V1061I, V1086I, V960I, V969I, V985I, V994I, V1044I, V1052I.
Identifiers: ClinVar variation 3371342 (VCV003371342.3).

ClinVar aggregate classification (germline): Uncertain significance. Review status: criteria provided, multiple submitters, no conflicts (2 of 4 stars). 2 submissions from 2 submitters: Uncertain significance (2). Last evaluated 2024-11-21.

Conditions:
Neuropathy, hereditary sensory, type 2C. Also called: Hereditary sensory and autonomic neuropathy type IIC; KIF1A-Related HSAN2 (HSAN2C). Identifiers: Orphanet 970, MedGen C3280168, MONDO:0013634, OMIM 614213.
Intellectual disability, autosomal dominant 9 (NESCAVS). Also called: NESCAV SYNDROME; KIF1A-Related Neurodevelopmental Disorder. Identifiers: Orphanet 662367, MedGen C5393830, MONDO:0013656, OMIM 614255.
Hereditary spastic paraplegia 30. Identifiers: Orphanet 101010, MedGen C5235139, MONDO:0012476.

gnomAD v4.1: 1 of 1,605,442 alleles (0.000062%); highest among the groups gnomAD compares: African/African-American, 0.0013%; no homozygotes.

Submissions (2):

Labcorp Genetics (formerly Invitae), Labcorp
Classification: Uncertain significance for Hereditary spastic paraplegia 30; Neuropathy, hereditary sensory, type 2C; Intellectual disability, autosomal dominant 9. Last evaluated: 2024-11-21. Review status: criteria provided, single submitter. Criteria: Invitae Variant Classification Sherloc (09022015). Collection method: clinical testing. Allele origin: germline.
Comment: This sequence change replaces valine, which is neutral and non-polar, with isoleucine, which is neutral and non-polar, at codon 960 of the KIF1A protein (p.Val960Ile). This variant is not present in population databases (gnomAD no frequency). This variant has not been reported in the literature in individuals affected with KIF1A-related conditions. Invitae Evidence Modeling of protein sequence and biophysical properties (such as structural, functional, and spatial information, amino acid conservation, physicochemical variation, residue mobility, and thermodynamic stability) indicates that this missense variant is not expected to disrupt KIF1A protein function with a negative predictive value of 95%. In summary, the available evidence is currently insufficient to determine the role of this variant in disease. Therefore, it has been classified as a Variant of Uncertain Significance.

GeneDx
Classification: Uncertain significance. Last evaluated: 2024-04-08. Review status: criteria provided, single submitter. Criteria: GeneDx Variant Classification Process June 2021. Collection method: clinical testing. Allele origin: germline. Affected: yes.
Comment: Not observed at significant frequency in large population cohorts (gnomAD); In silico analysis indicates that this missense variant does not alter protein structure/function; Has not been previously published as pathogenic or benign to our knowledge